The following is an entry in ClinVar:

ClinVar aggregate classification (germline): Uncertain significance. Review status: criteria provided, multiple submitters, no conflicts (2 of 4 stars). 2 submissions from 2 submitters: Uncertain significance (2). Last evaluated 2025-10-25.

Conditions:
Hereditary cancer-predisposing syndrome. Also called: Hereditary Cancer Syndrome; Neoplastic Syndromes, Hereditary; Tumor predisposition; Hereditary neoplastic syndrome. Identifiers: Orphanet 140162, MedGen C0027672, MeSH D009386, MONDO:0015356.

gnomAD v4.1: 2 of 1,611,498 alleles (0.00012%); highest among the groups gnomAD compares: South Asian, 0.0022%; no homozygotes.

Submissions (2):

Ambry Genetics
Classification: Uncertain significance for Hereditary cancer-predisposing syndrome. Last evaluated: 2025-10-25. Review status: criteria provided, single submitter. Criteria: Ambry Variant Classification Scheme 2023. Collection method: clinical testing. Allele origin: germline.
Comment: The p.G286R variant (also known as c.856G>C), located in coding exon 6 of the NTHL1 gene, results from a G to C substitution at nucleotide position 856. The glycine at codon 286 is replaced by arginine, an amino acid with dissimilar properties. This amino acid position is highly conserved in available vertebrate species. In addition, this alteration is predicted to be deleterious by in silico analysis. Since supporting evidence is limited at this time, the clinical significance of this alteration remains unclear.

Labcorp Genetics (formerly Invitae), Labcorp
Classification: Uncertain significance. Last evaluated: 2023-01-19. Review status: criteria provided, single submitter. Criteria: Invitae Variant Classification Sherloc (09022015). Collection method: clinical testing. Allele origin: germline.
Comment: In summary, the available evidence is currently insufficient to determine the role of this variant in disease. Therefore, it has been classified as a Variant of Uncertain Significance. An algorithm developed to predict the effect of missense changes on protein structure and function (PolyPhen-2) suggests that this variant is likely to be disruptive. This variant has not been reported in the literature in individuals affected with NTHL1-related conditions. This variant is present in population databases (no rsID available, gnomAD 0.003%). This sequence change replaces glycine, which is neutral and non-polar, with arginine, which is basic and polar, at codon 286 of the NTHL1 protein (p.Gly286Arg).

NM_002528.7(NTHL1):c.832G>C (p.Gly278Arg)

Gene: NTHL1 (nth like DNA glycosylase 1; minus strand). Cytogenetic location: 16p13.3.
Variant type: single nucleotide variant.
Coding change: c.832G>C on transcript NM_002528.7 (MANE Select); coding-DNA position 832, G replaced by C.
Protein change: p.Gly278Arg; replaces glycine 278 with arginine.
Molecular consequence: missense variant.
Genome position (GRCh38, 1-based): chr16:2,040,007, C>G on the plus strand (G>C on the coding strand, the complement: NTHL1 is on the minus strand). VCF-style: chr16-2040007-C-G. GRCh37 (hg19) VCF-style: chr16-2090008-C-G.
Other names: c.856G>C (NM_002528.5); c.661G>C, p.Gly221Arg (NM_001318193.2); c.502G>C, p.Gly168Arg (NM_001318194.2); short protein forms G221R, G278R, G168R.
Identifiers: ClinVar variation 1974837 (VCV001974837.8), dbSNP rs139309757, ClinGen allele CA394287339.